The following is an entry in ClinVar:

NM_000295.5(SERPINA1):c.786G>T (p.Trp262Cys)

Gene: SERPINA1 (serpin family A member 1; minus strand). Cytogenetic location: 14q32.13.
Variant type: single nucleotide variant.
Coding change: c.786G>T on transcript NM_000295.5 (MANE Select); coding-DNA position 786, G replaced by T.
Protein change: p.Trp262Cys; replaces tryptophan 262 with cysteine.
Molecular consequence: missense variant.
Genome position (GRCh38, 1-based): chr14:94,381,002, C>A on the plus strand (G>T on the coding strand, the complement: SERPINA1 is on the minus strand). VCF-style: chr14-94381002-C-A. GRCh37 (hg19) VCF-style: chr14-94847339-C-A.
Other names: c.786G>T, p.Trp262Cys (NM_001002235.3, NM_001002236.3, NM_001127700.2 and 7 more transcripts); short protein forms W262C.
Identifiers: ClinVar variation 4981799 (VCV004981799.1).

ClinVar aggregate classification (germline): Uncertain significance (1 of 4 stars; one submission).

Conditions:
SERPINA1-related disorder. Also called: SERPINA1-related condition; SerpinA1-related disorders.

gnomAD v4.1: 1 of 1,614,084 alleles (0.000062%); highest among the groups gnomAD compares: East Asian, 0.0022%; no homozygotes.

Submission:

PreventionGenetics, part of Exact Sciences
Classification: Uncertain significance for SERPINA1-related condition. Last evaluated: 2024-11-13. Review status: criteria provided, single submitter. Criteria: ACMG Guidelines, 2015. Collection method: clinical testing. Allele origin: germline.
Comment: The SERPINA1 c.786G>T variant is predicted to result in the amino acid substitution p.Trp262Cys. To our knowledge, this variant has not been reported in the literature. This variant is reported in 0.011% of alleles in individuals of East Asian descent in gnomAD. At this time, the clinical significance of this variant is uncertain due to the absence of conclusive functional and genetic evidence.